The following is an entry in ClinVar:

NC_000005.9:g.(?_112162805)_(112181936_?)dup

Gene: APC (APC regulator of Wnt signaling pathway; plus strand). Cytogenetic location: 5q22.2.
Variant type: Duplication.
Identifiers: ClinVar variation 417560 (VCV000417560.1).

ClinVar aggregate classification (germline): Uncertain significance (1 of 4 stars; one submission).

Conditions:
Familial adenomatous polyposis 1 (FAP1). Also called: FAMILIAL ADENOMATOUS POLYPOSIS 1, ATTENUATED; POLYPOSIS, ADENOMATOUS INTESTINAL. Identifiers: MedGen C2713442, MONDO:0021056, OMIM 175100. Disease mechanism: loss of function.

Submission:

Labcorp Genetics (formerly Invitae), Labcorp
Classification: Uncertain significance for Familial adenomatous polyposis 1. Last evaluated: 2016-09-14. Review status: criteria provided, single submitter. Criteria: Invitae Variant Classification Sherloc (09022015). Collection method: clinical testing. Allele origin: germline.
Comment: This variant is a gross duplication of the genomic region encompassing exons 12-16 of the APC gene. The 5' boundary is likely confined to intron 11. The 3' end of this event is unknown as it extends beyond the assayed region for this gene and therefore may encompass additional genes. This particular duplication has not been previously reported in the literature in individuals with a APC-related disease. In summary, the exact genomic location of this variant is unknown and the impact of this duplication on APC protein function has not been established. Therefore, it has been classified as a Variant of Uncertain Significance.